The following is an entry in ClinVar:

NM_032242.4(PLXNA1):c.636T>A (p.Asp212Glu)

Gene: PLXNA1 (plexin A1; plus strand). Cytogenetic location: 3q21.3.
Variant type: single nucleotide variant.
Coding change: c.636T>A on transcript NM_032242.4 (MANE Select); coding-DNA position 636, T replaced by A.
Protein change: p.Asp212Glu; replaces aspartic acid 212 with glutamic acid.
Molecular consequence: missense variant.
Genome position (GRCh38, 1-based): chr3:126,989,229, T>A. VCF-style: chr3-126989229-T-A. GRCh37 (hg19) VCF-style: chr3-126708072-T-A.
Other names: short protein forms D212E.
Identifiers: ClinVar variation 2245973 (VCV002245973.3), dbSNP rs1187112713, ClinGen allele CA354371879.
Genomic context (GRCh38, chr3:126,989,229, plus strand): 5'-TGGCAAGTCCGAGTACTTCCCCACACTGTCCAGCCGTCGGCTCATGGCCAACGAGGAGGA[T>A]GCCGACATGTTCGGCTTCGTGTACCAGGATGAGTTTGTGTCATCACAGCTCAAGATCCCT-3'
Protein context (NP_115618.3, residues 202-222): SSRRLMANEE[Asp212Glu]ADMFGFVYQD

ClinVar aggregate classification (germline): Uncertain significance. Review status: criteria provided, multiple submitters, no conflicts (2 of 4 stars). 2 submissions from 2 submitters: Uncertain significance (2). Last evaluated 2022-11-30.

Conditions:
PLXNA1-related disorder. Also called: PLXNA1-related condition.

Allele frequency attached by ClinVar (database versions not stated): gnomAD exomes 0.00001.

Submissions (2):

PreventionGenetics, part of Exact Sciences
Classification: Uncertain significance for PLXNA1-related condition. Last evaluated: 2022-11-30. Review status: criteria provided, single submitter. Criteria: ACMG Guidelines, 2015. Collection method: clinical testing. Allele origin: germline.
Comment: The PLXNA1 c.636T>A variant is predicted to result in the amino acid substitution p.Asp212Glu. To our knowledge, this variant has not been reported in the literature. This variant is reported in 0.00088% of alleles in individuals of European (Non-Finnish) descent in gnomAD. At this time, the clinical significance of this variant is uncertain due to the absence of conclusive functional and genetic evidence.

Ambry Genetics
Classification: Uncertain significance. Last evaluated: 2021-08-17. Review status: criteria provided, single submitter. Criteria: Ambry Variant Classification Scheme 2023. Collection method: clinical testing. Allele origin: germline.